The following is an entry in ClinVar:

ClinVar aggregate classification (germline): Pathogenic (1 of 4 stars; one submission).

Conditions:
Basal cell nevus syndrome 1 (BCNS1). Also called: GORLIN-GOLTZ SYNDROME; MULTIPLE BASAL CELL NEVI, ODONTOGENIC KERATOCYSTS, AND SKELETAL ANOMALIES. Identifiers: MedGen CN376810, MONDO:0958174, OMIM 109400.

Submission:

Institute of Human Genetics, University of Leipzig Medical Center
Classification: Pathogenic for Basal cell nevus syndrome 1. Last evaluated: 2025-04-16. Review status: criteria provided, single submitter. Criteria: ACMG Guidelines, 2015. Collection method: clinical testing. Allele origin: unknown. Inheritance: Autosomal dominant inheritance. Affected: yes.
Comment: Criteria applied: PVS1,PM2,PP4

NM_000264.5(PTCH1):c.2438del (p.Pro813fs)

Genes: PTCH1 (patched 1; minus strand), LOC100507346 (uncharacterized LOC100507346; plus strand). Cytogenetic location: 9q22.32.
Variant type: Deletion.
Coding change: c.2438del on transcript NM_000264.5 (MANE Select); coding-DNA position 2438, one base deleted (C; older notation c.2438delC).
Protein change: p.Pro813fs; shifts the reading frame from proline 813.
Molecular consequence: frameshift variant. On other transcripts: non-coding transcript variant (1).
Genome position (GRCh38, 1-based): chr9:95,467,238, G deleted on the plus strand (C on the coding strand, the reverse complement: PTCH1 is on the minus strand); the first of 3 consecutive G bases (chr9:95,467,238-95,467,240); deleting any one gives the same sequence. VCF-style (leftmost placement, unchanged base first): chr9-95467237-CG-C. GRCh37 (hg19) VCF-style: chr9-98229519-CG-C.
Other names: c.2240del, p.Pro747fs (NM_001083602.3); c.2435del, p.Pro812fs (NM_001083603.3); c.1985del, p.Pro662fs (NM_001083604.3, NM_001083605.3, NM_001083606.3 and 1 more transcripts); c.2282del, p.Pro761fs (NM_001354918.2); short protein forms P662fs, P747fs, P761fs, P812fs, P813fs.
Identifiers: ClinVar variation 3901203 (VCV003901203.1).